The following is an entry in ClinVar:

NM_001352754.2(ARMC9):c.1789A>T (p.Met597Leu)

Gene: ARMC9 (armadillo repeat containing 9; plus strand). Cytogenetic location: 2q37.1.
Variant type: single nucleotide variant.
Coding change: c.1789A>T on transcript NM_001352754.2 (MANE Select); coding-DNA position 1789, A replaced by T.
Protein change: p.Met597Leu; replaces methionine 597 with leucine.
Molecular consequence: missense variant. On other transcripts: non-coding transcript variant (1), intron variant (1).
Genome position (GRCh38, 1-based): chr2:231,331,808, A>T. VCF-style: chr2-231331808-A-T. GRCh37 (hg19) VCF-style: chr2-232196520-A-T.
Other names: c.1789A>T, p.Met597Leu (NM_001271466.4, NM_001291656.2, NM_001352755.2 and 2 more transcripts); c.1690A>T, p.Met564Leu (NM_001352757.2, NM_001352758.2); c.1774-13167A>T (NM_001352759.2); short protein forms M564L, M597L.
Identifiers: ClinVar variation 935072 (VCV000935072.8), dbSNP rs2043756222, ClinGen allele CA350963048.

ClinVar aggregate classification (germline): Uncertain significance (1 of 4 stars; one submission).

Submission:

Labcorp Genetics (formerly Invitae), Labcorp
Classification: Uncertain significance. Last evaluated: 2024-10-22. Review status: criteria provided, single submitter. Criteria: Invitae Variant Classification Sherloc (09022015). Collection method: clinical testing. Allele origin: germline.
Comment: This sequence change replaces methionine, which is neutral and non-polar, with leucine, which is neutral and non-polar, at codon 597 of the ARMC9 protein (p.Met597Leu). This variant is not present in population databases (gnomAD no frequency). This variant has not been reported in the literature in individuals affected with ARMC9-related conditions. ClinVar contains an entry for this variant (Variation ID: 935072). Experimental studies and prediction algorithms are not available or were not evaluated, and the functional significance of this variant is currently unknown. In summary, the available evidence is currently insufficient to determine the role of this variant in disease. Therefore, it has been classified as a Variant of Uncertain Significance.